The following is an entry in ClinVar:

ClinVar aggregate classification (germline): Uncertain significance (1 of 4 stars; one submission).

gnomAD v4.1: 4 of 1,612,790 alleles (0.00025%); highest among the groups gnomAD compares: Admixed American, 0.0033%; no homozygotes.

Submission:

Labcorp Genetics (formerly Invitae), Labcorp
Classification: Uncertain significance. Last evaluated: 2022-03-15. Review status: criteria provided, single submitter. Criteria: Invitae Variant Classification Sherloc (09022015). Collection method: clinical testing. Allele origin: germline.
Comment: This sequence change replaces arginine, which is basic and polar, with serine, which is neutral and polar, at codon 298 of the SKIV2L protein (p.Arg298Ser). This variant is present in population databases (no rsID available, gnomAD 0.003%). This variant has not been reported in the literature in individuals affected with SKIV2L-related conditions. Algorithms developed to predict the effect of missense changes on protein structure and function (SIFT, PolyPhen-2, Align-GVGD) all suggest that this variant is likely to be tolerated. In summary, the available evidence is currently insufficient to determine the role of this variant in disease. Therefore, it has been classified as a Variant of Uncertain Significance.

NM_006929.5(SKIC2):c.892C>A (p.Arg298Ser)

Gene: SKIC2 (SKI2 subunit of superkiller complex; plus strand). Cytogenetic location: 6p21.33.
Variant type: single nucleotide variant.
Coding change: c.892C>A on transcript NM_006929.5 (MANE Select); coding-DNA position 892, C replaced by A.
Protein change: p.Arg298Ser; replaces arginine 298 with serine.
Molecular consequence: missense variant.
Genome position (GRCh38, 1-based): chr6:31,961,649, C>A. VCF-style: chr6-31961649-C-A. GRCh37 (hg19) VCF-style: chr6-31929426-C-A.
Other names: short protein forms R298S.
Identifiers: ClinVar variation 2184729 (VCV002184729.1), dbSNP rs547774154, ClinGen allele CA363446971.